The following is an entry in ClinVar:

NM_020975.6(RET):c.2558C>T (p.Ser853Leu)

Gene: RET (ret proto-oncogene; plus strand). Cytogenetic location: 10q11.21.
Variant type: single nucleotide variant.
Coding change: c.2558C>T on transcript NM_020975.6 (MANE Select); coding-DNA position 2558, C replaced by T.
Protein change: p.Ser853Leu; replaces serine 853 with leucine.
Molecular consequence: missense variant.
Genome position (GRCh38, 1-based): chr10:43,119,696, C>T. VCF-style: chr10-43119696-C-T. GRCh37 (hg19) VCF-style: chr10-43615144-C-T.
Other names: c.2558C>T, p.Ser853Leu (NM_000323.2, NM_001406743.1, NM_001406744.1 and 4 more transcripts); c.1796C>T, p.Ser599Leu (NM_001355216.2); c.2429C>T, p.Ser810Leu (NM_001406761.1, NM_001406762.1, NM_001406764.1); c.2423C>T, p.Ser808Leu (NM_001406763.1, NM_001406765.1); c.2270C>T, p.Ser757Leu (NM_001406766.1, NM_001406767.1, NM_001406770.1); c.2294C>T, p.Ser765Leu (NM_001406768.1); c.2162C>T, p.Ser721Leu (NM_001406769.1, NM_001406772.1); c.2120C>T, p.Ser707Leu (NM_001406771.1, NM_001406773.1); and 10 more; short protein forms S853L, S599L, S509L, S523L, S808L, S370L, S678L, S707L.
Identifiers: ClinVar variation 1430563 (VCV001430563.11), dbSNP rs1406662248, ClinGen allele CA376556585.

ClinVar aggregate classification (germline): Uncertain significance. Review status: criteria provided, multiple submitters, no conflicts (2 of 4 stars). 3 submissions from 3 submitters: Uncertain significance (3). Last evaluated 2025-10-13.

Conditions:
Hereditary cancer-predisposing syndrome. Also called: Hereditary Cancer Syndrome; Hereditary neoplastic syndrome; Neoplastic Syndromes, Hereditary; Tumor predisposition. Identifiers: Orphanet 140162, MedGen C0027672, MeSH D009386, MONDO:0015356.
Multiple endocrine neoplasia, type 2 (MEN2). Identifiers: Orphanet 653, MedGen C4048306, MONDO:0019003. Disease mechanism: gain of function.

Allele frequency attached by ClinVar (database versions not stated): gnomAD exomes below 0.00001; TOPMed below 0.00001; gnomAD 0.00001.
gnomAD v4.1: 2 of 1,613,454 alleles (0.00012%); highest among the groups gnomAD compares: Non-Finnish European, 0.00017%; no homozygotes.

Submissions (3):

Labcorp Genetics (formerly Invitae), Labcorp
Classification: Uncertain significance for Multiple endocrine neoplasia, type 2. Last evaluated: 2025-10-13. Review status: criteria provided, single submitter. Criteria: Invitae Variant Classification Sherloc (09022015). Collection method: clinical testing. Allele origin: germline.
Comment: This sequence change replaces serine, which is neutral and polar, with leucine, which is neutral and non-polar, at codon 853 of the RET protein (p.Ser853Leu). This variant is not present in population databases (gnomAD no frequency). This variant has not been reported in the literature in individuals affected with RET-related conditions. ClinVar contains an entry for this variant (Variation ID: 1430563). An algorithm developed to predict the effect of missense changes on protein structure and function (PolyPhen-2) suggests that this variant is likely to be disruptive. In summary, the available evidence is currently insufficient to determine the role of this variant in disease. Therefore, it has been classified as a Variant of Uncertain Significance.

Color Diagnostics, LLC DBA Color Health
Classification: Uncertain significance for Multiple endocrine neoplasia, type 2. Last evaluated: 2025-07-16. Review status: criteria provided, single submitter. Criteria: ACMG Guidelines, 2015. Collection method: clinical testing. Allele origin: germline.
Comment: This missense variant replaces serine with leucine at codon 853 of the RET protein. Computational prediction suggests that this variant may have deleterious impact on protein structure and function. To our knowledge, functional studies have not been reported for this variant. This variant has not been reported in individuals affected with RET-related disorders in the literature. This variant has not been identified in the general population by the Genome Aggregation Database (gnomAD). The available evidence is insufficient to determine the role of this variant in disease conclusively. Therefore, this variant is classified as a Variant of Uncertain Significance.

Ambry Genetics
Classification: Uncertain significance for Hereditary cancer-predisposing syndrome. Last evaluated: 2024-10-10. Review status: criteria provided, single submitter. Criteria: Ambry Variant Classification Scheme 2023. Collection method: clinical testing. Allele origin: germline.
Comment: The p.S853L variant (also known as c.2558C>T), located in coding exon 14 of the RET gene, results from a C to T substitution at nucleotide position 2558. The serine at codon 853 is replaced by leucine, an amino acid with dissimilar properties. This amino acid position is highly conserved in available vertebrate species. In addition, this alteration is predicted to be deleterious by in silico analysis. Based on the available evidence, the clinical significance of this variant remains unclear.